The following is an entry in ClinVar:

NM_005585.5(SMAD6):c.1459T>A (p.Trp487Arg)

Gene: SMAD6 (SMAD family member 6; plus strand). Cytogenetic location: 15q22.31.
Variant type: single nucleotide variant.
Coding change: c.1459T>A on transcript NM_005585.5 (MANE Select); coding-DNA position 1459, T replaced by A.
Protein change: p.Trp487Arg; replaces tryptophan 487 with arginine.
Molecular consequence: missense variant. On other transcripts: non-coding transcript variant (1).
Genome position (GRCh38, 1-based): chr15:66,781,503, T>A. VCF-style: chr15-66781503-T-A. GRCh37 (hg19) VCF-style: chr15-67073841-T-A.
Other names: short protein forms W487R.
Identifiers: ClinVar variation 5029783 (VCV005029783.1).

ClinVar aggregate classification (germline): Uncertain significance (1 of 4 stars; one submission).

Conditions:
Inborn genetic diseases. Identifiers: MedGen C0950123, MeSH D030342.

Submission:

Ambry Genetics
Classification: Uncertain significance for Inborn genetic diseases. Last evaluated: 2026-09-07. Review status: criteria provided, single submitter. Criteria: Ambry Variant Classification Scheme 2023. Collection method: clinical testing. Allele origin: germline.
Comment: The p.W487R variant (also known as c.1459T>A), located in coding exon 4 of the SMAD6 gene, results from a T to A substitution at nucleotide position 1459. The tryptophan at codon 487 is replaced by arginine, an amino acid with dissimilar properties. This amino acid position is conserved. In addition, this alteration is predicted to be deleterious by in silico analysis. Based on the available evidence, the clinical significance of this variant remains unclear.